The following is an entry in ClinVar:

ClinVar aggregate classification (germline): Uncertain significance (1 of 4 stars; one submission).

Conditions:
Nemaline myopathy 2 (NEM2). Also called: Nemaline myopathy 2, autosomal recessive. Identifiers: MedGen C1850569, MONDO:0009725, OMIM 256030.

Allele frequency attached by ClinVar (database versions not stated): gnomAD exomes below 0.00001; gnomAD 0.00001; TOPMed 0.00001.
gnomAD v4.1: 2 of 1,613,548 alleles (0.00012%); highest among the groups gnomAD compares: Non-Finnish European, 0.00017%; no homozygotes.

Submission:

Labcorp Genetics (formerly Invitae), Labcorp
Classification: Uncertain significance for Nemaline myopathy 2. Last evaluated: 2022-08-06. Review status: criteria provided, single submitter. Criteria: Invitae Variant Classification Sherloc (09022015). Collection method: clinical testing. Allele origin: germline.
Comment: This sequence change replaces histidine, which is basic and polar, with tyrosine, which is neutral and polar, at codon 2114 of the NEB protein (p.His2114Tyr). This variant is not present in population databases (gnomAD no frequency). This variant has not been reported in the literature in individuals affected with NEB-related conditions. Algorithms developed to predict the effect of missense changes on protein structure and function are either unavailable or do not agree on the potential impact of this missense change (SIFT: "Deleterious"; PolyPhen-2: "Not Available"; Align-GVGD: "Class C0"). In summary, the available evidence is currently insufficient to determine the role of this variant in disease. Therefore, it has been classified as a Variant of Uncertain Significance.

NM_001164508.2(NEB):c.6340C>T (p.His2114Tyr)

Gene: NEB (nebulin; minus strand). Cytogenetic location: 2q23.3.
Variant type: single nucleotide variant.
Coding change: c.6340C>T on transcript NM_001164508.2 (MANE Select); coding-DNA position 6340, C replaced by T.
Protein change: p.His2114Tyr; replaces histidine 2114 with tyrosine.
Molecular consequence: missense variant.
Genome position (GRCh38, 1-based): chr2:151,656,308, G>A on the plus strand (C>T on the coding strand, the complement: NEB is on the minus strand). VCF-style: chr2-151656308-G-A. GRCh37 (hg19) VCF-style: chr2-152512822-G-A.
Other names: c.6340C>T, p.His2114Tyr (NM_001164507.2, NM_001271208.2, NM_004543.5); short protein forms H2114Y.
Identifiers: ClinVar variation 1898406 (VCV001898406.2), dbSNP rs1170184242, ClinGen allele CA348799353.
Genomic context (GRCh38, chr2:151,656,308, plus strand): 5'-TGGTGATGTTGGCTTGGGCATCCTTTGCAGCCGTGACACTGAGCATGTCGGCAGGGGTGT[G>A]GTAGCTGGTCTTTGTGTTCTCATAGTTTTTCTTGTACTCCCGATCAGATTGCATCTTAGC-3'
Protein context (NP_001157980.2, residues 2104-2124): KNYENTKTSY[His2114Tyr]TPADMLSVTA